The following is an entry in ClinVar:

NM_000277.3(PAH):c.1184C>G (p.Ala395Gly)

Gene: PAH (phenylalanine hydroxylase; minus strand). Cytogenetic location: 12q23.2.
Variant type: single nucleotide variant.
Coding change: c.1184C>G on transcript NM_000277.3 (MANE Select); coding-DNA position 1184, C replaced by G.
Protein change: p.Ala395Gly; replaces alanine 395 with glycine.
Molecular consequence: missense variant.
Genome position (GRCh38, 1-based): chr12:102,843,661, G>C on the plus strand (C>G on the coding strand, the complement: PAH is on the minus strand). VCF-style: chr12-102843661-G-C. GRCh37 (hg19) VCF-style: chr12-103237439-G-C.
Other names: c.1184C>G (NM_000277.2); c.1184C>G, p.Ala395Gly (NM_001354304.2); short protein forms A395G.
Identifiers: ClinVar variation 102549 (VCV000102549.25), dbSNP rs62508736, ClinGen allele CA286498.

ClinVar aggregate classification (germline): Pathogenic. Review status: criteria provided, multiple submitters, no conflicts (2 of 4 stars). 9 submissions from 9 submitters: Pathogenic (6). 3 of the submissions do not count toward it. Last evaluated 2025-12-24.

Conditions:
Phenylketonuria (PKU). Also called: Phenylketonuria (PKU); FOLLING DISEASE; OLIGOPHRENIA PHENYLPYRUVICA; Phenylketonurias. Identifiers: Orphanet 716, MedGen C0031485, MONDO:0009861, OMIM 261600. Disease mechanism: loss of function.

Allele frequency attached by ClinVar (database versions not stated): gnomAD exomes below 0.00001 and 0.00001; ExAC 0.00001; gnomAD 0.00001; TOPMed 0.00001; ESP Exome Variant Server 0.00008.

Submissions (9):

Labcorp Genetics (formerly Invitae), Labcorp
Classification: Pathogenic for Phenylketonuria. Last evaluated: 2025-12-24. Review status: criteria provided, single submitter. Criteria: Invitae Variant Classification Sherloc (09022015). Collection method: clinical testing. Allele origin: germline.
Comment: This sequence change replaces alanine, which is neutral and non-polar, with glycine, which is neutral and non-polar, at codon 395 of the PAH protein (p.Ala395Gly). This variant is present in population databases (rs62508736, gnomAD 0.002%). This missense change has been observed in individual(s) with hyperphenylalaninemi and/or phenylketonuria (PMID: 18299955, 24368688, 27121329). ClinVar contains an entry for this variant (Variation ID: 102549). Invitae Evidence Modeling of protein sequence and biophysical properties (such as structural, functional, and spatial information, amino acid conservation, physicochemical variation, residue mobility, and thermodynamic stability) indicates that this missense variant is expected to disrupt PAH protein function with a positive predictive value of 80%. This variant disrupts the p.Ala395 amino acid residue in PAH. Other variant(s) that disrupt this residue have been determined to be pathogenic (PMID: 7726156, 11161839, 11999982, 17502162, 22841515). This suggests that this residue is clinically significant, and that variants that disrupt this residue are likely to be disease-causing. For these reasons, this variant has been classified as Pathogenic.

3billion
Classification: Pathogenic for Phenylketonuria. Last evaluated: 2025-09-17. Review status: criteria provided, single submitter. Criteria: ACMG Guidelines, 2015. Collection method: clinical testing. Allele origin: germline. Affected: yes.
Comment: The variant is observed at an extremely low frequency in the gnomAD v4.1.0 dataset (total allele frequency: <0.001%). Predicted Consequence/Location: The variant is located in a mutational hot spot and/or well-established functional domain in which established pathogenic variants have been reported. In silico tool predictions suggest damaging effect of the variant on gene or gene product [REVEL: 0.98 (>=0.6, sensitivity 0.68 and specificity 0.92); 3Cnet: 0.99 (> 0.75, sensitivity 0.96 and precision 0.92)]. The same nucleotide change resulting in the same amino acid change has been previously reported as pathogenic/likely pathogenic with strong evidence (ClinVar ID: VCV000102549 /PMID: 9634518 /3billion dataset). Different missense changes at the same codon (p.Ala395Asp, p.Ala395Pro) have been reported as pathogenic/likely pathogenic with strong evidence (ClinVar ID: VCV000102547, VCV000102548 /PMID: 16256386, 8406445). Therefore, this variant is classified as Pathogenic according to the recommendation of ACMG/AMP guideline.

Revvity Omics, Revvity
Classification: Pathogenic for Phenylketonuria. Last evaluated: 2025-03-11. Review status: criteria provided, single submitter. Criteria: ACMG Guidelines, 2015. Collection method: clinical testing. Allele origin: germline.

Natera, Inc.
Classification: Pathogenic for Phenylketonuria. Last evaluated: 2025-01-22. Review status: criteria provided, single submitter. Criteria: Natera Variant Classification Schema (03/2026). Collection method: clinical testing. Allele origin: germline.
Comment: The c.1184C>G variant in PAH is a missense variant predicted to cause substitution of alanine to glycine at amino acid 395. This variant is rare in the general population with a frequency below the threshold expected for the associated phenotype(s). This variant has been observed in one or more individuals affected with the associated recessive disease, as either homozygous or compound heterozygous with a second variant (PMID: 22330942). Given the available evidence, this variant is classified as Pathogenic.

Laboratory for Molecular Medicine, Mass General Brigham Personalized Medicine
Classification: Pathogenic for Phenylketonuria. Last evaluated: 2022-11-03. Review status: criteria provided, single submitter. Criteria: ACMG Guidelines, 2015. Collection method: clinical testing. Allele origin: germline.
Comment: The p.Ala395Gly variant in PAH has been reported in at least 1 homozygous and > 15 compound heterozygous individuals affected with mild Hyperphenylalaninemia or mild to moderate Phenylketonuria (Guldberg 1998 PMID: 9634518, Guttler 1999 PMID: 10429004, Bercovich 2008 PMID: 18299955, Hillert 2020 PMID: 32668217). It has also been reported in ClinVar (Variation ID 102549) and was identified in 1/67986 European chromosomes by gnomAD. Computational prediction tools and conservation analyses suggest that this variant may impact the protein, though this information is not predictive enough to determine pathogenicity. Another variant involving this codon (p.Ala395Pro) has been identified in individuals with Phenylketonuria and is classified as pathogenic by clinical laboratories in ClinVar. In summary, this variant meets criteria to be classified as pathogenic for autosomal recessive hyperphenylalanemia/phenylkenonuria. ACMG/AMP Criteria applied: PM2_Supporting, PP3, PM3_Very strong, PM5.

Women's Health and Genetics/Laboratory Corporation of America, LabCorp
Classification: Pathogenic for Phenylketonuria. Last evaluated: 2018-11-16. Review status: criteria provided, single submitter. Criteria: LabCorp Variant Classification Summary - May 2015. Collection method: clinical testing. Allele origin: germline.
Comment: Variant summary: PAH c.1184C>G (p.Ala395Gly) results in a non-conservative amino acid change located in the C-terminal domain, containing the catalytic domain and the coiled-coil C-terminal oligomerization motif (IPR019774) of the encoded protein sequence. Five of five in-silico tools predict a damaging effect of the variant on protein function. The variant allele was found at a frequency of 7.2e-06 in 276980 control chromosomes (gnomAD). c.1184C>G has been reported in the literature in a homozygous individual affected with mild Hyperphenylalaninemia (MHP) (Bercovich 2008) and multiple compound heterozugous individuals affected with MHP or mild to moderate PKU phenotype (Guttler 1999, Bercovich 2008, Aldamiz-Echevarria 2016). These data indicate that the variant is very likely to be associated with disease; however, in general, patients with mild hyperphenylalaninemia do not require restrictive diet or supplementary treatment unless Phe concentrations reach the clinical threshold. To our knowledge, no experimental evidence demonstrating an impact on protein function has been reported. Two clinical diagnostic laboratories have submitted clinical-significance assessments for this variant to ClinVar after 2014 without evidence for independent evaluation, and classified the variant as likely pathogenic. Based on the evidence outlined above, the variant was classified as pathogenic.

Counsyl
Classification: Likely pathogenic for Phenylketonuria. Last evaluated: 2016-07-18. Review status: no assertion criteria provided. Collection method: clinical testing. Allele origin: unknown. Not counted in ClinVar's aggregate classification.

Division of Human Genetics, Children's Hospital of Philadelphia
Classification: Likely pathogenic for Phenylketonuria. Last evaluated: 2016-04-28. Review status: no assertion criteria provided. Collection method: research. Allele origin: paternal. Study: CSER-PediSeq. Not counted in ClinVar's aggregate classification.

DeBelle Laboratory for Biochemical Genetics, MUHC/MCH RESEARCH INSTITUTE
No classification provided. Review status: no classification provided. Collection method: not provided. Allele origin: not provided. Not counted in ClinVar's aggregate classification.

Literature cited by the submitters: PubMed 18299955 (cited by Labcorp Genetics (formerly Invitae), Labcorp and Women's Health and Genetics/Laboratory Corporation of America, LabCorp); PubMed 24368688 (cited by Labcorp Genetics (formerly Invitae), Labcorp); PubMed 27121329 (cited by Labcorp Genetics (formerly Invitae), Labcorp); PubMed 7726156 (cited by Labcorp Genetics (formerly Invitae), Labcorp); PubMed 11161839 (cited by Labcorp Genetics (formerly Invitae), Labcorp); PubMed 11999982 (cited by Labcorp Genetics (formerly Invitae), Labcorp); PubMed 17502162 (cited by Labcorp Genetics (formerly Invitae), Labcorp); PubMed 22841515 (cited by Labcorp Genetics (formerly Invitae), Labcorp); PubMed 9634518 (cited by 3billion); PubMed 16256386 (cited by 3billion and Division of Human Genetics, Children's Hospital of Philadelphia); PubMed 22330942 (cited by Natera, Inc.); PubMed 10429004 (cited by Women's Health and Genetics/Laboratory Corporation of America, LabCorp).